The following is an entry in ClinVar:

NM_001098426.2(SMARCD2):c.137G>A (p.Gly46Asp)

Genes: SMARCD2 (SWI/SNF related BAF chromatin remodeling complex subunit D2; minus strand), LOC130061409 (ATAC-STARR-seq lymphoblastoid silent region 8832; plus strand). Cytogenetic location: 17q23.3.
Variant type: single nucleotide variant.
Coding change: c.137G>A on transcript NM_001098426.2 (MANE Select); coding-DNA position 137, G replaced by A.
Protein change: p.Gly46Asp; replaces glycine 46 with aspartic acid.
Molecular consequence: missense variant.
Genome position (GRCh38, 1-based): chr17:63,842,538, C>T on the plus strand (G>A on the coding strand, the complement: SMARCD2 is on the minus strand). VCF-style: chr17-63842538-C-T. GRCh37 (hg19) VCF-style: chr17-61919898-C-T.
Other names: short protein forms G46D.
Identifiers: ClinVar variation 1510013 (VCV001510013.6), dbSNP rs902395036, ClinGen allele CA400602153.

ClinVar aggregate classification (germline): Uncertain significance (1 of 4 stars; one submission).

Submission:

Labcorp Genetics (formerly Invitae), Labcorp
Classification: Uncertain significance. Last evaluated: 2022-06-27. Review status: criteria provided, single submitter. Criteria: Invitae Variant Classification Sherloc (09022015). Collection method: clinical testing. Allele origin: germline.
Comment: This sequence change replaces glycine, which is neutral and non-polar, with aspartic acid, which is acidic and polar, at codon 46 of the SMARCD2 protein (p.Gly46Asp). This variant is not present in population databases (gnomAD no frequency). In summary, the available evidence is currently insufficient to determine the role of this variant in disease. Therefore, it has been classified as a Variant of Uncertain Significance. Algorithms developed to predict the effect of missense changes on protein structure and function are either unavailable or do not agree on the potential impact of this missense change (SIFT: "Tolerated"; PolyPhen-2: "Probably Damaging"; Align-GVGD: "Class C0"). This variant has not been reported in the literature in individuals affected with SMARCD2-related conditions.